The following is an entry in ClinVar:

NM_001039591.3(USP9X):c.460C>T (p.Arg154Cys)

Gene: USP9X (ubiquitin specific peptidase 9 X-linked; plus strand). Cytogenetic location: Xp11.4.
Variant type: single nucleotide variant.
Coding change: c.460C>T on transcript NM_001039591.3 (MANE Select); coding-DNA position 460, C replaced by T.
Protein change: p.Arg154Cys; replaces arginine 154 with cysteine.
Molecular consequence: missense variant.
Genome position (GRCh38, 1-based): chrX:41,136,828, C>T. VCF-style: chrX-41136828-C-T. GRCh37 (hg19) VCF-style: chrX-40996081-C-T.
Other names: c.460C>T, p.Arg154Cys (NM_001039590.3); short protein forms R154C.
Identifiers: ClinVar variation 1202364 (VCV001202364.4), dbSNP rs2062377915, ClinGen allele CA412762720.

ClinVar aggregate classification (germline): Uncertain significance (1 of 4 stars; one submission).

Allele frequency attached by ClinVar (database versions not stated): gnomAD exomes below 0.00001.

Submission:

GeneDx
Classification: Uncertain significance. Last evaluated: 2024-05-29. Review status: criteria provided, single submitter. Criteria: GeneDx Variant Classification Process June 2021. Collection method: clinical testing. Allele origin: germline. Affected: yes.
Comment: Not observed at significant frequency in large population cohorts (gnomAD); In silico analysis supports that this missense variant has a deleterious effect on protein structure/function; Has not been previously published as pathogenic or benign to our knowledge; In silico analysis is inconclusive as to whether the variant alters gene splicing. In the absence of RNA/functional studies, the actual effect of this sequence change is unknown.